The following is an entry in ClinVar:

NM_003718.5(CDK13):c.551C>T (p.Ser184Phe)

Gene: CDK13 (cyclin dependent kinase 13; plus strand). Cytogenetic location: 7p14.1.
Variant type: single nucleotide variant.
Coding change: c.551C>T on transcript NM_003718.5 (MANE Select); coding-DNA position 551, C replaced by T.
Protein change: p.Ser184Phe; replaces serine 184 with phenylalanine.
Molecular consequence: missense variant.
Genome position (GRCh38, 1-based): chr7:39,951,192, C>T. VCF-style: chr7-39951192-C-T. GRCh37 (hg19) VCF-style: chr7-39990791-C-T.
Other names: c.551C>T, p.Ser184Phe (NM_031267.4); short protein forms S184F.
Identifiers: ClinVar variation 4798321 (VCV004798321.1).
Genomic context (GRCh38, chr7:39,951,192, plus strand): 5'-CGGCAACGGCGGCGACGGCTGCCGGGGGAACGGGGGGCAGCGGCGGGAGTCCGGCCTCCT[C>T]CTCCGGCACCCAGCGGCGCGGGGAGGGGTCGGAGCGCAGGCCCCGCCGGGACCGCCGCAG-3'
Protein context (NP_003709.3, residues 174-194): TGGSGGSPAS[Ser184Phe]SGTQRRGEGS

ClinVar aggregate classification (germline): Uncertain significance (1 of 4 stars; one submission).

gnomAD v4.1: 32 of 1,250,402 alleles (0.0026%); highest among the groups gnomAD compares: Non-Finnish European, 0.0032%; no homozygotes.

Submission:

Labcorp Genetics (formerly Invitae), Labcorp
Classification: Uncertain significance. Last evaluated: 2025-09-24. Review status: criteria provided, single submitter. Criteria: Invitae Variant Classification Sherloc (09022015). Collection method: clinical testing. Allele origin: germline.
Comment: This sequence change replaces serine, which is neutral and polar, with phenylalanine, which is neutral and non-polar, at codon 184 of the CDK13 protein (p.Ser184Phe). This variant is not present in population databases (gnomAD no frequency). This variant has not been reported in the literature in individuals affected with CDK13-related conditions. Invitae Evidence Modeling of protein sequence and biophysical properties (such as structural, functional, and spatial information, amino acid conservation, physicochemical variation, residue mobility, and thermodynamic stability) indicates that this missense variant is not expected to disrupt CDK13 protein function with a negative predictive value of 95%. In summary, the available evidence is currently insufficient to determine the role of this variant in disease. Therefore, it has been classified as a Variant of Uncertain Significance.